The following is an entry in ClinVar:

NM_000548.5(TSC2):c.4696C>T (p.His1566Tyr)

Gene: TSC2 (TSC complex subunit 2; plus strand). Cytogenetic location: 16p13.3.
Variant type: single nucleotide variant.
Coding change: c.4696C>T on transcript NM_000548.5 (MANE Select); coding-DNA position 4696, C replaced by T.
Protein change: p.His1566Tyr; replaces histidine 1566 with tyrosine.
Molecular consequence: missense variant.
Genome position (GRCh38, 1-based): chr16:2,086,226, C>T. VCF-style: chr16-2086226-C-T. GRCh37 (hg19) VCF-style: chr16-2136227-C-T.
Other names: c.4495C>T, p.His1499Tyr (NM_001077183.3); c.4627C>T, p.His1543Tyr (NM_001114382.3); c.4387C>T, p.His1463Tyr (NM_001318827.2); c.4351C>T, p.His1451Tyr (NM_001318829.2); c.3964C>T, p.His1322Tyr (NM_001318831.2); c.4528C>T, p.His1510Tyr (NM_001318832.2); c.4498C>T, p.His1500Tyr (NM_001363528.2); c.4564C>T, p.His1522Tyr (NM_001370404.1); and 1 more; short protein forms H1322Y, H1451Y, H1510Y, H1522Y, H1523Y, H1500Y, H1543Y, H1463Y.
Identifiers: ClinVar variation 646424 (VCV000646424.14), dbSNP rs1596438391, ClinGen allele CA394307245.

ClinVar aggregate classification (germline): Uncertain significance. Review status: criteria provided, multiple submitters, no conflicts (2 of 4 stars). 3 submissions from 3 submitters: Uncertain significance (3). Last evaluated 2025-04-14.

Conditions:
Tuberous sclerosis 2 (TSC2). Identifiers: Orphanet 805, MedGen C1860707, MONDO:0013199, OMIM 613254.
Hereditary cancer-predisposing syndrome. Also called: Neoplastic Syndromes, Hereditary; Hereditary Cancer Syndrome; Hereditary neoplastic syndrome; Tumor predisposition. Identifiers: Orphanet 140162, MedGen C0027672, MeSH D009386, MONDO:0015356.

Allele frequency attached by ClinVar (database versions not stated): gnomAD exomes below 0.00001.
gnomAD v4.1: 1 of 1,612,746 alleles (0.000062%); highest among the groups gnomAD compares: East Asian, 0.0022%; no homozygotes.

Submissions (3):

Ambry Genetics
Classification: Uncertain significance for Hereditary cancer-predisposing syndrome. Last evaluated: 2025-04-14. Review status: criteria provided, single submitter. Criteria: Ambry Variant Classification Scheme 2023. Collection method: clinical testing. Allele origin: germline.
Comment: The p.H1566Y variant (also known as c.4696C>T), located in coding exon 36 of the TSC2 gene, results from a C to T substitution at nucleotide position 4696. The histidine at codon 1566 is replaced by tyrosine, an amino acid with similar properties. This amino acid position is well conserved in available vertebrate species. In addition, the in silico prediction for this alteration is inconclusive. Based on the available evidence, the clinical significance of this variant remains unclear.

Labcorp Genetics (formerly Invitae), Labcorp
Classification: Uncertain significance for Tuberous sclerosis 2. Last evaluated: 2023-04-07. Review status: criteria provided, single submitter. Criteria: Invitae Variant Classification Sherloc (09022015). Collection method: clinical testing. Allele origin: germline.
Comment: In summary, the available evidence is currently insufficient to determine the role of this variant in disease. Therefore, it has been classified as a Variant of Uncertain Significance. Advanced modeling of protein sequence and biophysical properties (such as structural, functional, and spatial information, amino acid conservation, physicochemical variation, residue mobility, and thermodynamic stability) performed at Invitae indicates that this missense variant is not expected to disrupt TSC2 protein function. ClinVar contains an entry for this variant (Variation ID: 646424). This variant has not been reported in the literature in individuals affected with TSC2-related conditions. This variant is not present in population databases (gnomAD no frequency). This sequence change replaces histidine, which is basic and polar, with tyrosine, which is neutral and polar, at codon 1566 of the TSC2 protein (p.His1566Tyr).

Genome-Nilou Lab
Classification: Uncertain significance for Tuberous sclerosis 2. Last evaluated: 2021-11-07. Review status: criteria provided, single submitter. Criteria: ACMG Guidelines, 2015. Collection method: clinical testing. Allele origin: germline. Affected: no.